The following is an entry in ClinVar:

NM_001009944.3(PKD1):c.11904C>G (p.Arg3968=)

Gene: PKD1 (polycystin 1, transient receptor potential channel interacting; minus strand). Cytogenetic location: 16p13.3.
Variant type: single nucleotide variant.
Coding change: c.11904C>G on transcript NM_001009944.3 (MANE Select); coding-DNA position 11904, C replaced by G.
Protein change: p.Arg3968=; no amino-acid change (arginine 3968 retained).
Molecular consequence: synonymous variant.
Genome position (GRCh38, 1-based): chr16:2,090,983, G>C on the plus strand (C>G on the coding strand, the complement: PKD1 is on the minus strand). VCF-style: chr16-2090983-G-C. GRCh37 (hg19) VCF-style: chr16-2140984-G-C.
Other names: c.11901C>G, p.Arg3967= (NM_000296.4).
Identifiers: ClinVar variation 2645980 (VCV002645980.24), dbSNP rs1458447193, ClinGen allele CA493044761.
Genomic context (GRCh38, chr16:2,090,983, plus strand): 5'-ACGGGCTGCGGAGCTCAGCTGCGCCACCTGGTCGAAGCTAGTGAAGCGGCGCGGGCGGCC[G>C]CGCACGAAACGGGTCCACTGGCGGTCAGCGGCACCCAGCTGGGCGAGGCGTACCAGTGCC-3'
Protein context (NP_001009944.3, residues 3958-3978): AADRQWTRFV[Arg3968=]GRPRRFTSFD

ClinVar aggregate classification (germline): Likely benign (1 of 4 stars; one submission).

gnomAD v4.1: 2 of 1,537,150 alleles (0.00013%); highest among the groups gnomAD compares: South Asian, 0.0024%; no homozygotes.

Submission:

CeGaT Center for Human Genetics Tuebingen
Classification: Likely benign. Last evaluated: 2022-10-01. Review status: criteria provided, single submitter. Criteria: CeGaT Center For Human Genetics Tuebingen Variant Classification Criteria Version 2. Collection method: clinical testing. Allele origin: germline. Affected: yes. Observed: 1 variant allele.
Comment: PKD1: BP4, BP7